The following is an entry in ClinVar:

ClinVar aggregate classification (germline): Conflicting classifications of pathogenicity. Review status: criteria provided, conflicting classifications (1 of 4 stars). 4 submissions from 4 submitters: Likely pathogenic (3); Uncertain significance (1). Last evaluated 2024-09-20.

Conditions:
Charcot-Marie-Tooth disease. Also called: Charcot-Marie-Tooth Hereditary Neuropathy; Charcot-Marie-Tooth Neuropathy. Identifiers: Orphanet 166, MedGen C0007959, MONDO:0015626.
Charlevoix-Saguenay spastic ataxia (SACS). Also called: AUTOSOMAL RECESSIVE SPASTIC ATAXIA OF CHARLEVOIX-SAGUENAY; Spastic ataxia of Charlevoix-Saguenay; SPASTIC ATAXIA 6, AUTOSOMAL RECESSIVE. Identifiers: Orphanet 98, MedGen C1849140, MONDO:0010041, OMIM 270550.

Allele frequency attached by ClinVar (database versions not stated): gnomAD exomes below 0.00001.
gnomAD v4.1: 2 of 1,614,040 alleles (0.00012%); highest among the groups gnomAD compares: Non-Finnish European, 0.00017%; no homozygotes.

Submissions (4):

Women's Health and Genetics/Laboratory Corporation of America, LabCorp
Classification: Uncertain significance. Last evaluated: 2024-09-20. Review status: criteria provided, single submitter. Criteria: LabCorp Variant Classification Summary - May 2015. Collection method: clinical testing. Allele origin: germline.
Comment: Variant summary: SACS c.13615C>T (p.Pro4539Ser) results in a non-conservative amino acid change located in the HEPN functional domain (PMID: 24030952) of the encoded protein sequence. Five of five in-silico tools predict a damaging effect of the variant on protein function. The variant was absent in 251420 control chromosomes. The available data on variant occurrences in the general population are insufficient to allow any conclusion about variant significance. c.13615C>T has been reported in the literature in at least three compound heterozygous individuals affected with Autosomal Recessive Spastic Ataxia Of Charlevoix-Saguenay (e.g., Nemeth_2015, Truong_2022, Retterer_2016), and the variant was shown to segregate with disease in one family (e.g., Truong_2022). These data indicate that the variant may be associated with disease. To our knowledge, no experimental evidence demonstrating an impact on protein function has been reported. The following publications have been ascertained in the context of this evaluation (PMID: 24030952, 36600740, 26633542). ClinVar contains an entry for this variant (Variation ID: 496951). Based on the evidence outlined above, the variant was classified as VUS-possibly pathogenic.

Baylor Genetics
Classification: Likely pathogenic for Charlevoix-Saguenay spastic ataxia. Last evaluated: 2023-10-26. Review status: criteria provided, single submitter. Criteria: ACMG Guidelines, 2015. Collection method: clinical testing. Allele origin: unknown.

Cambridge Genomics Laboratory, East Genomic Laboratory Hub, NHS Genomic Medicine Service
Classification: Likely pathogenic for Charcot-Marie-Tooth disease. Last evaluated: 2019-05-28. Review status: criteria provided, single submitter. Criteria: ACGS Best Practice Guidelines for Variant Classification in Rare Disease 2020. Collection method: clinical testing. Allele origin: germline. Affected: yes. Observed: 1 variant allele.

Eurofins Ntd Llc (ga)
Classification: Likely pathogenic. Last evaluated: 2017-02-21. Review status: criteria provided, single submitter. Criteria: EGL Classification Definitions 2015. Collection method: clinical testing. Allele origin: germline. Observed: 3 variant alleles, 3 heterozygotes.

Literature cited by the submitters: PubMed 26633542 (cited by Women's Health and Genetics/Laboratory Corporation of America, LabCorp); PubMed 24030952 (cited by Women's Health and Genetics/Laboratory Corporation of America, LabCorp); PubMed 36600740 (cited by Women's Health and Genetics/Laboratory Corporation of America, LabCorp).

NM_014363.6(SACS):c.13615C>T (p.Pro4539Ser)

Gene: SACS (sacsin molecular chaperone; minus strand). Cytogenetic location: 13q12.12.
Variant type: single nucleotide variant.
Coding change: c.13615C>T on transcript NM_014363.6 (MANE Select); coding-DNA position 13615, C replaced by T.
Protein change: p.Pro4539Ser; replaces proline 4539 with serine.
Molecular consequence: missense variant.
Genome position (GRCh38, 1-based): chr13:23,330,261, G>A on the plus strand (C>T on the coding strand, the complement: SACS is on the minus strand). VCF-style: chr13-23330261-G-A. GRCh37 (hg19) VCF-style: chr13-23904400-G-A.
Other names: c.13174C>T, p.Pro4392Ser (NM_001278055.2); short protein forms P4539S, P4392S.
Identifiers: ClinVar variation 496951 (VCV000496951.8), dbSNP rs1555249106, ClinGen allele CA387504864.